The following is an entry in ClinVar:

ClinVar aggregate classification (germline): Likely benign. Review status: criteria provided, multiple submitters, no conflicts (2 of 4 stars). 3 submissions from 3 submitters: Likely benign (3). Last evaluated 2025-12-26.

Conditions:
Cardiovascular phenotype. Identifiers: MedGen CN230736.
Catecholaminergic polymorphic ventricular tachycardia 1. Also called: VENTRICULAR TACHYCARDIA, CATECHOLAMINERGIC POLYMORPHIC, 1, WITH OR WITHOUT ATRIAL DYSFUNCTION AND/OR DILATED CARDIOMYOPATHY; VENTRICULAR TACHYCARDIA, STRESS-INDUCED POLYMORPHIC 1; RYR2-Related Catecholaminergic Polymorphic Ventricular Tachycardia. Identifiers: Orphanet 3286, MedGen C1631597, MONDO:0011484, OMIM 604772.
Catecholaminergic polymorphic ventricular tachycardia (CVPT). Also called: Catecholamine-induced polymorphic ventricular tachycardia. Identifiers: Orphanet 3286, MedGen C5574922, MONDO:0017990.

Allele frequency attached by ClinVar (database versions not stated): TOPMed below 0.00001; gnomAD 0.00001; gnomAD exomes 0.00001; ExAC 0.00002; 1000 Genomes Project 30x 0.00016; 1000 Genomes Project 0.00020.
gnomAD v4.1: 22 of 1,614,008 alleles (0.0014%); highest among the groups gnomAD compares: African/African-American, 0.008%; no homozygotes.

Submissions (3):

Labcorp Genetics (formerly Invitae), Labcorp
Classification: Likely benign for Catecholaminergic polymorphic ventricular tachycardia 1. Last evaluated: 2025-12-26. Review status: criteria provided, single submitter. Criteria: Invitae Variant Classification Sherloc (09022015). Collection method: clinical testing. Allele origin: germline.

All of Us Research Program, National Institutes of Health
Classification: Likely benign for Catecholaminergic polymorphic ventricular tachycardia. Last evaluated: 2023-02-15. Review status: criteria provided, single submitter. Criteria: ACMG Guidelines, 2015. Collection method: clinical testing. Allele origin: germline. Inheritance: Autosomal dominant inheritance. Observed: 1 variant allele, 1 heterozygote.
Comment: This study involves interpretation of variants in research participants for the purpose of population health screening. Participant phenotype was not available at the time of variant classification. Additional details can be found in publication PMID: 35346344, PMCID: PMC8962531

Ambry Genetics
Classification: Likely benign for Cardiovascular phenotype. Last evaluated: 2021-01-16. Review status: criteria provided, single submitter. Criteria: Ambry Variant Classification Scheme 2023. Collection method: clinical testing. Allele origin: germline.

NM_001035.3(RYR2):c.2352C>T (p.Ile784=)

Gene: RYR2 (ryanodine receptor 2; plus strand). Cytogenetic location: 1q43.
Variant type: single nucleotide variant.
Coding change: c.2352C>T on transcript NM_001035.3 (MANE Select); coding-DNA position 2352, C replaced by T.
Protein change: p.Ile784=; no amino-acid change (isoleucine 784 retained).
Molecular consequence: synonymous variant.
Genome position (GRCh38, 1-based): chr1:237,500,859, C>T. VCF-style: chr1-237500859-C-T. GRCh37 (hg19) VCF-style: chr1-237664159-C-T.
Identifiers: ClinVar variation 1154998 (VCV001154998.9), dbSNP rs573789485, ClinGen allele CA086017.